The following is an entry in ClinVar:

NM_000179.3(MSH6):c.4001+5_4001+25dup

Gene: MSH6 (mutS homolog 6; plus strand). Cytogenetic location: 2p16.3.
Variant type: Duplication.
Coding change: c.4001+5_4001+25dup on transcript NM_000179.3 (MANE Select); bases 5 to 25 of the intron after coding-DNA position 4001, 21 bases duplicated (CTAACTAACTATAATGGAATT).
Molecular consequence: intron variant.
Genome position (GRCh38, 1-based): chr2:47,806,656-47,806,676, CTAACTAACTATAATGGAATT duplicated. VCF-style (leftmost placement, unchanged base first): chr2-47806655-A-ACTAACTAACTATAATGGAATT. GRCh37 (hg19) VCF-style: chr2-48033794-A-ACTAACTAACTATAATGGAATT.
Other names: c.4001+5_4001+25dup (NM_001406809.1, NM_001406796.1, NM_001406808.1); c.3095+5_3095+25dup (NM_001406811.1, NM_001406814.1, NM_001281493.2 and 6 more transcripts); c.3704+5_3704+25dup (NM_001406805.1, NM_001406797.1, NM_001406801.1 and 10 more transcripts); c.4097+5_4097+25dup (NM_001406795.1); c.3898-123_3898-103dup (NM_001406802.1); c.4007+5_4007+25dup (NM_001406813.1); c.3476+5_3476+25dup (NM_001406807.1, NM_001406799.1, NM_001406806.1); c.*22+5_*22+25dup (NM_001406800.1); and 9 more.
Identifiers: ClinVar variation 2753652 (VCV002753652.3), dbSNP rs2530880096, ClinGen allele CA2697548139.

ClinVar aggregate classification (germline): Uncertain significance (1 of 4 stars; one submission).

Conditions:
Hereditary nonpolyposis colorectal neoplasms. Identifiers: MedGen C0009405, MeSH D003123.

Submission:

Labcorp Genetics (formerly Invitae), Labcorp
Classification: Uncertain significance for Hereditary nonpolyposis colorectal neoplasms. Last evaluated: 2023-08-18. Review status: criteria provided, single submitter. Criteria: Invitae Variant Classification Sherloc (09022015). Collection method: clinical testing. Allele origin: germline.
Comment: In summary, the available evidence is currently insufficient to determine the role of this variant in disease. Therefore, it has been classified as a Variant of Uncertain Significance. Experimental studies and prediction algorithms are not available or were not evaluated, and the effect of this variant on mRNA splicing is currently unknown. This variant has not been reported in the literature in individuals affected with MSH6-related conditions. This variant is not present in population databases (gnomAD no frequency). This sequence change falls in intron 9 of the MSH6 gene. It does not directly change the encoded amino acid sequence of the MSH6 protein.